The following is an entry in ClinVar:

ClinVar aggregate classification (germline): Uncertain significance. Review status: criteria provided, multiple submitters, no conflicts (2 of 4 stars). 3 submissions from 3 submitters: Uncertain significance (3). Last evaluated 2023-06-22.

Conditions:
Dilated cardiomyopathy 1W (CMD1W). Identifiers: Orphanet 154, MedGen C1969639, MONDO:0012667, OMIM 611407.
Cardiovascular phenotype. Identifiers: MedGen CN230736.

Allele frequency attached by ClinVar (database versions not stated): gnomAD 0.00002; ESP Exome Variant Server 0.00008; TOPMed below 0.00001; gnomAD exomes 0.00001.
gnomAD v4.1: 3 of 1,613,970 alleles (0.00019%); highest among the groups gnomAD compares: African/African-American, 0.004%; no homozygotes.

Submissions (3):

Labcorp Genetics (formerly Invitae), Labcorp
Classification: Uncertain significance for Dilated cardiomyopathy 1W. Last evaluated: 2023-06-22. Review status: criteria provided, single submitter. Criteria: Invitae Variant Classification Sherloc (09022015). Collection method: clinical testing. Allele origin: germline.
Comment: In summary, the available evidence is currently insufficient to determine the role of this variant in disease. Therefore, it has been classified as a Variant of Uncertain Significance. An algorithm developed to predict the effect of missense changes on protein structure and function (PolyPhen-2) suggests that this variant is likely to be disruptive. ClinVar contains an entry for this variant (Variation ID: 202153). This variant has not been reported in the literature in individuals affected with VCL-related conditions. This variant is present in population databases (rs146910007, gnomAD 0.007%). This sequence change replaces alanine, which is neutral and non-polar, with threonine, which is neutral and polar, at codon 226 of the VCL protein (p.Ala226Thr).

Ambry Genetics
Classification: Uncertain significance for Cardiovascular phenotype. Last evaluated: 2021-03-27. Review status: criteria provided, single submitter. Criteria: Ambry Variant Classification Scheme 2023. Collection method: clinical testing. Allele origin: germline.
Comment: The p.A226T variant (also known as c.676G>A), located in coding exon 6 of the VCL gene, results from a G to A substitution at nucleotide position 676. The alanine at codon 226 is replaced by threonine, an amino acid with similar properties. This amino acid position is highly conserved in available vertebrate species. In addition, the in silico prediction for this alteration is inconclusive. Since supporting evidence is limited at this time, the clinical significance of this alteration remains unclear.

GeneDx
Classification: Uncertain significance. Last evaluated: 2014-08-27. Review status: criteria provided, single submitter. Criteria: GeneDx Variant Classification (06012015). Collection method: clinical testing. Allele origin: germline. Affected: yes.
Comment: p.Ala226Thr (GCT>ACT): c.676 G>A in exon 6 of the VCL gene (NM_014000.2). The A226T variant has not been published as a mutation, nor has it been reported as a benign polymorphism to our knowledge. The A226T variant was not observed with any significant frequency in approximately 6500 individuals of European and African American ancestry in the NHLBI Exome Sequencing Project, indicating it is not a common benign variant in these population. The A226T variant is a non-conservative amino acid substitution, which is likely to impact secondary protein structure as these residues differ in polarity, charge, size and/or other properties. This substitution occurs at a position that is well conserved across species. However, missense mutations in nearby residues have not been reported, indicating this region of the protein may tolerate change. Additionally, in silico analysis is inconsistent in its predictions as to whether or not the variant is damaging to the protein structure/function. Therefore, based on the currently available information, it is unclear whether this variant is a pathogenic mutation or a rare benign variant. The variant is found in CARDIOMYOPATHY panel(s).

NM_014000.3(VCL):c.676G>A (p.Ala226Thr)

Gene: VCL (vinculin; plus strand). Cytogenetic location: 10q22.2.
Variant type: single nucleotide variant.
Coding change: c.676G>A on transcript NM_014000.3 (MANE Select); coding-DNA position 676, G replaced by A.
Protein change: p.Ala226Thr; replaces alanine 226 with threonine.
Molecular consequence: missense variant.
Genome position (GRCh38, 1-based): chr10:74,074,796, G>A. VCF-style: chr10-74074796-G-A. GRCh37 (hg19) VCF-style: chr10-75834554-G-A.
Other names: p.A226T:GCT>ACT; c.676G>A, p.Ala226Thr (NM_003373.4); short protein forms A226T.
Identifiers: ClinVar variation 202153 (VCV000202153.7), dbSNP rs146910007, ClinGen allele CA335613.